The following is an entry in ClinVar:

NM_015311.3(OBSL1):c.4839G>A (p.Ala1613=)

Gene: OBSL1 (obscurin like cytoskeletal adaptor 1; minus strand). Cytogenetic location: 2q35.
Variant type: single nucleotide variant.
Coding change: c.4839G>A on transcript NM_015311.3 (MANE Select); coding-DNA position 4839, G replaced by A.
Protein change: p.Ala1613=; no amino-acid change (alanine 1613 retained).
Molecular consequence: synonymous variant.
Genome position (GRCh38, 1-based): chr2:219,554,511, C>T on the plus strand (G>A on the coding strand, the complement: OBSL1 is on the minus strand). VCF-style: chr2-219554511-C-T. GRCh37 (hg19) VCF-style: chr2-220419233-C-T.
Other names: c.4839G>A (NM_015311.2).
Identifiers: ClinVar variation 1617443 (VCV001617443.12), dbSNP rs201821906, ClinGen allele CA2130419.
Genomic context (GRCh38, chr2:219,554,511, plus strand): 5'-GGCTGTGGTCCTGGAGGCCACACCTCTCACAATGAGTCTGGCTGCGCAGCGCAGGGAATC[C>T]GCTGTGAAGGAGACACAGCCTGAGTCGGCCAGGCCCAGGCCATTGAGTACCAGTCGGTGA-3'
Protein context (NP_056126.1, residues 1603-1623): LADSGCVSFT[Ala1613=]DSLRCAARLI

ClinVar aggregate classification (germline): Conflicting classifications of pathogenicity. Review status: criteria provided, conflicting classifications (1 of 4 stars). 4 submissions from 4 submitters: Uncertain significance (1); Benign (1); Likely benign (2). Last evaluated 2026-06-02.

Allele frequency attached by ClinVar (database versions not stated): gnomAD exomes 0.00009 and 0.00019; ExAC 0.00024; 1000 Genomes Project 0.00040; 1000 Genomes Project 30x 0.00047; gnomAD 0.00085 and 0.00095; TOPMed 0.00089; ESP Exome Variant Server 0.00102.

Submissions (4):

GeneDx
Classification: Uncertain significance. Last evaluated: 2026-06-02. Review status: criteria provided, single submitter. Criteria: GeneDx Variant Classification Process June 2021. Collection method: clinical testing. Allele origin: germline.
Comment: In silico analysis suggests this variant may impact gene splicing. In the absence of RNA/functional studies, the actual effect of this sequence change is unknown.; Has not been previously published as pathogenic or benign to our knowledge

Labcorp Genetics (formerly Invitae), Labcorp
Classification: Benign. Last evaluated: 2025-12-31. Review status: criteria provided, single submitter. Criteria: Invitae Variant Classification Sherloc (09022015). Collection method: clinical testing. Allele origin: germline.

Women's Health and Genetics/Laboratory Corporation of America, LabCorp
Classification: Likely benign. Last evaluated: 2025-11-26. Review status: criteria provided, single submitter. Criteria: LabCorp Variant Classification Summary - May 2015. Collection method: clinical testing. Allele origin: germline.

Blueprint Genetics
Classification: Likely benign. Last evaluated: 2024-08-06. Review status: criteria provided, single submitter. Criteria: ACMG Guidelines, 2015. Collection method: clinical testing. Allele origin: germline.